The following is an entry in ClinVar:

ClinVar aggregate classification (germline): Pathogenic. Review status: criteria provided, multiple submitters, no conflicts (2 of 4 stars). 3 submissions from 3 submitters: Pathogenic (3). Last evaluated 2026-07-24.

Conditions:
PHIP-related disorder. Also called: PHIP-related condition; PHIP-related disorders.

Allele frequency attached by ClinVar (database versions not stated): TOPMed below 0.00001.

Submissions (3):

PreventionGenetics, part of Exact Sciences
Classification: Pathogenic for PHIP-related condition. Last evaluated: 2026-07-24. Review status: criteria provided, single submitter. Criteria: ACMG Guidelines, 2015. Collection method: clinical testing. Allele origin: germline.
Comment: The PHIP c.2656G>T variant is predicted to result in premature protein termination (p.Glu886*). This variant was reported in an individual with Chung-Jansen syndrome (Sudnawa et al. 2024. PubMed ID: 37961033) and an individual with a behavioral disorder and obesity (Mušálková et al. 2024. PubMed ID: 38359179). This variant has not been reported in a large population database (gnomAD). Nonsense variants in PHIP are expected to be pathogenic. This variant is interpreted as pathogenic.

Dasa
Classification: Pathogenic. Last evaluated: 2024-12-16. Review status: criteria provided, single submitter. Criteria: DASA Assertion Criteria. Collection method: clinical testing. Allele origin: germline.
Comment: NM_017934.7(PHIP):c.2656G>T (p.Glu886*) introduces a premature termination codon predicted to result in loss of normal protein function. Loss-of-function is an established mechanism of disease for this gene. This variant has been reported in individuals with related phenotype (PMID: 38359179). The variant is present at low frequency in population datasets. Based on the available data, this variant is classified as pathogenic.

GeneDx
Classification: Pathogenic. Last evaluated: 2022-11-04. Review status: criteria provided, single submitter. Criteria: GeneDx Variant Classification Process June 2021. Collection method: clinical testing. Allele origin: germline. Affected: yes.
Comment: Nonsense variant predicted to result in protein truncation or nonsense mediated decay in a gene for which loss-of-function is a known mechanism of disease; Not observed in large population cohorts (gnomAD); Has not been previously published as pathogenic or benign to our knowledge

Literature cited by the submitters: PubMed 38359179 (cited by Dasa).

NM_017934.7(PHIP):c.2656G>T (p.Glu886Ter)

Gene: PHIP (PHIP subunit of CUL4-Ring ligase complex; minus strand). Cytogenetic location: 6q14.1.
Variant type: single nucleotide variant.
Coding change: c.2656G>T on transcript NM_017934.7 (MANE Select); coding-DNA position 2656, G replaced by T.
Protein change: p.Glu886Ter; replaces glutamic acid 886 with a stop codon.
Molecular consequence: nonsense.
Genome position (GRCh38, 1-based): chr6:78,982,999, C>A on the plus strand (G>T on the coding strand, the complement: PHIP is on the minus strand). VCF-style: chr6-78982999-C-A. GRCh37 (hg19) VCF-style: chr6-79692716-C-A.
Other names: c.2656G>T (NM_017934.6); short protein forms E886*.
Identifiers: ClinVar variation 1722952 (VCV001722952.4), dbSNP rs1187732102, ClinGen allele CA364649765.